The following is an entry in ClinVar:

ClinVar aggregate classification (germline): Uncertain significance. Review status: reviewed by expert panel (3 of 4 stars). 2 submissions from 2 submitters: Uncertain significance (1). 1 of the submissions does not count toward it. Last evaluated 2023-08-15.

Conditions:
Glanzmann thrombasthenia. Also called: Thrombasthenia; PLATELET GLYCOPROTEIN IIb-IIIa DEFICIENCY; BLEEDING DISORDER, PLATELET-TYPE, 2; Glanzmann's thrombasthenia; THROMBASTHENIA OF GLANZMANN AND NAEGELI. Identifiers: Orphanet 849, MedGen C0040015, MONDO:0100326.

Allele frequency attached by ClinVar (database versions not stated): gnomAD exomes below 0.00001; TOPMed below 0.00001; ExAC 0.00001; gnomAD 0.00001.
gnomAD v4.1: 2 of 1,614,112 alleles (0.00012%); highest among the groups gnomAD compares: Admixed American, 0.0033%; no homozygotes.

Submissions (2):

ClinGen Platelet Disorders Variant Curation Expert Panel, ClinGen
Classification: Uncertain significance for Glanzmann thrombasthenia. Last evaluated: 2023-08-15. Review status: reviewed by expert panel. Criteria: ClinGen Platelet ACMG Specifications v2-1. Collection method: curation. Allele origin: germline. Inheritance: Autosomal recessive inheritance.
Comment: After a comprehensive literature search of the synonymous variant NM_000212.3(ITGB3):c.273G>A (p.Glu91=), no individuals with Glanzmann thrombasthenia were reported with the variant. The variant has a minor allele frequency of 0.00006 (2/35438 alleles) in the Latino/Admixed American population in gnomAD, which meets our threshold criteria for PM2_Supporting. In silico predictor SpliceAI revealed that the synonymous mutation is not expected to impact splicing but a PhyloP score of 2.318 shows that the nucleotide position is highly conserved. Due to insufficient evidence, this variant is classified as a variant of unknown significance for Glanzmann Thrombasthenia based on the ACMG/AMP criteria applied, as specified by the ClinGen PD-VCEP: PM2_Supporting (PD VCEP specifications version 2.1).

Labcorp Genetics (formerly Invitae), Labcorp
Classification: Likely benign. Last evaluated: 2025-04-08. Review status: criteria provided, single submitter. Criteria: Invitae Variant Classification Sherloc (09022015). Collection method: clinical testing. Allele origin: germline. Not counted in ClinVar's aggregate classification.

NM_000212.3(ITGB3):c.273G>A (p.Glu91=)

Gene: ITGB3 (integrin subunit beta 3; plus strand). Cytogenetic location: 17q21.32.
Variant type: single nucleotide variant.
Coding change: c.273G>A on transcript NM_000212.3 (MANE Select); coding-DNA position 273, G replaced by A.
Protein change: p.Glu91=; no amino-acid change (glutamic acid 91 retained).
Molecular consequence: synonymous variant.
Genome position (GRCh38, 1-based): chr17:47,283,461, G>A. VCF-style: chr17-47283461-G-A. GRCh37 (hg19) VCF-style: chr17-45360827-G-A.
Other names: NM_000212.3(ITGB3):c.273G>A; p.Glu91=.
Identifiers: ClinVar variation 751827 (VCV000751827.6), dbSNP rs776079585, ClinGen allele CA8622907.